The following is an entry in ClinVar:

ClinVar aggregate classification (germline): Pathogenic. Review status: criteria provided, multiple submitters, no conflicts (2 of 4 stars). 3 submissions from 3 submitters: Pathogenic (3). Last evaluated 2024-11-25.

Conditions:
RPGR-related disorder. Also called: RPGR-related condition.
Retinitis pigmentosa 3. Also called: CHOROIDORETINAL DEGENERATION WITH RETINAL REFLEX IN HETEROZYGOUS WOMEN. Identifiers: Orphanet 791, MedGen C1845667, MONDO:0010227, OMIM 300029.
Primary ciliary dyskinesia. Also called: Ciliary dyskinesia. Identifiers: Orphanet 244, MedGen C0008780, MONDO:0016575, HP:0012265.

Submissions (3):

Labcorp Genetics (formerly Invitae), Labcorp
Classification: Pathogenic for Primary ciliary dyskinesia. Last evaluated: 2024-11-25. Review status: criteria provided, single submitter. Criteria: Invitae Variant Classification Sherloc (09022015). Collection method: clinical testing. Allele origin: germline.
Comment: This sequence change creates a premature translational stop signal (p.Glu922Glyfs*156) in the RPGR (ORF15) gene. While this is not anticipated to result in nonsense mediated decay, it is expected to disrupt the last 231 amino acid(s) of the RPGR (ORF15) protein. This variant is not present in population databases (gnomAD no frequency). This premature translational stop signal has been observed in individual(s) with Inherited retinal diseases (PMID: 36460718). This variant disrupts a region of the RPGR (ORF15) protein in which other variant(s) (p.Leu1130Lysfs*13) have been determined to be pathogenic (PMID: 22264887; internal data). This suggests that this is a clinically significant region of the protein, and that variants that disrupt it are likely to be disease-causing. For these reasons, this variant has been classified as Pathogenic.

3billion
Classification: Pathogenic for Retinitis pigmentosa 3. Last evaluated: 2024-09-04. Review status: criteria provided, single submitter. Criteria: ACMG Guidelines, 2015. Collection method: clinical testing. Allele origin: germline. Affected: yes.
Comment: The variant is not observed in the gnomAD v4.1.0 dataset. Predicted Consequence/Location: Frameshift: predicted to result in a loss or disruption of normal protein function through protein truncation. Multiple pathogenic variants are reported in the predicted truncated region. The variant has been reported to be associated with RPGR-related disorder (PMID: 17195164, 33372982). Therefore, this variant is classified as Pathogenic according to the recommendation of ACMG/AMP guideline.

Blueprint Genetics
Classification: Pathogenic for RPGR-related disorders. Last evaluated: 2021-06-30. Review status: criteria provided, single submitter. Criteria: ACMG Guidelines, 2015. Collection method: clinical testing. Allele origin: germline. Affected: yes. Observed: 3 variant alleles.

Literature cited by the submitters: PubMed 36460718 (cited by Labcorp Genetics (formerly Invitae), Labcorp); PubMed 22264887 (cited by Labcorp Genetics (formerly Invitae), Labcorp); PubMed 17195164 (cited by 3billion).

NM_001034853.2(RPGR):c.2760_2761del (p.Glu922fs)

Gene: RPGR (retinitis pigmentosa GTPase regulator; minus strand). Cytogenetic location: Xp11.4.
Variant type: Deletion.
Coding change: c.2760_2761del on transcript NM_001034853.2 (MANE Select); coding-DNA positions 2760 to 2761, 2 bases deleted (AG; older notation c.2760_2761delAG).
Protein change: p.Glu922fs; shifts the reading frame from glutamic acid 922.
Molecular consequence: frameshift variant. On other transcripts: intron variant (8).
Genome position (GRCh38, 1-based): chrX:38,286,238-38,286,239, CT deleted on the plus strand (AG on the coding strand, the reverse complement: RPGR is on the minus strand). VCF-style (leftmost placement, unchanged base first): chrX-38286237-CCT-C. GRCh37 (hg19) VCF-style: chrX-38145490-CCT-C.
Other names: c.1569+4720_1569+4721del (NM_001367249.1, NM_001367250.1); c.1902+855_1902+856del (NM_001367245.1); c.1386+4720_1386+4721del (NM_001367251.1); c.1719+855_1719+856del (NM_001367246.1); c.1572+4720_1572+4721del (NM_001367247.1); c.1905+855_1905+856del (NM_000328.3); c.1602+4720_1602+4721del (NM_001367248.1); short protein forms E922fs.
Identifiers: ClinVar variation 3724213 (VCV003724213.4).